The following is an entry in ClinVar:

NM_004415.4(DSP):c.1493C>G (p.Pro498Arg)

Gene: DSP (desmoplakin; plus strand). Cytogenetic location: 6p24.3.
Variant type: single nucleotide variant.
Coding change: c.1493C>G on transcript NM_004415.4 (MANE Select); coding-DNA position 1493, C replaced by G.
Protein change: p.Pro498Arg; replaces proline 498 with arginine.
Molecular consequence: missense variant.
Genome position (GRCh38, 1-based): chr6:7,569,259, C>G. VCF-style: chr6-7569259-C-G. GRCh37 (hg19) VCF-style: chr6-7569492-C-G.
Other names: c.1493C>G, p.Pro498Arg (NM_001008844.3, NM_001319034.2); short protein forms P498R.
Identifiers: ClinVar variation 3386633 (VCV003386633.2).
Genomic context (GRCh38, chr6:7,569,259, plus strand): 5'-AGGGGGATGAGTGTATCCTGAAGGACAACAACGAGCGCAGCAAGTGGTACGTGACGGGCC[C>G]GGGAGGCGTTGACATGCTTGTTCCCTCTGTGGGGCTGATCATCCCTCCTCCGAACCCACT-3'
Protein context (NP_004406.2, residues 488-508): NERSKWYVTG[Pro498Arg]GGVDMLVPSV

ClinVar aggregate classification (germline): Uncertain significance. Review status: criteria provided, multiple submitters, no conflicts (2 of 4 stars). 2 submissions from 2 submitters: Uncertain significance (2). Last evaluated 2025-02-23.

Conditions:
Arrhythmogenic cardiomyopathy with wooly hair and keratoderma. Also called: Carvajal syndrome; PALMOPLANTAR KERATODERMA WITH LEFT VENTRICULAR CARDIOMYOPATHY AND WOOLLY HAIR; Dilated cardiomyopathy with woolly hair and keratoderma; Arrhythmogenic cardiomyopathy with woolly hair and keratoderma. Identifiers: Orphanet 65282, MedGen C1854063, MONDO:0011581, OMIM 605676.
Cardiovascular phenotype. Identifiers: MedGen CN230736.

Submissions (2):

Ambry Genetics
Classification: Uncertain significance for Cardiovascular phenotype. Last evaluated: 2025-02-23. Review status: criteria provided, single submitter. Criteria: Ambry Variant Classification Scheme 2023. Collection method: clinical testing. Allele origin: germline.
Comment: The p.P498R variant (also known as c.1493C>G), located in coding exon 12 of the DSP gene, results from a C to G substitution at nucleotide position 1493. The proline at codon 498 is replaced by arginine, an amino acid with dissimilar properties. This amino acid position is conserved. In addition, this alteration is predicted to be deleterious by in silico analysis. Based on the available evidence, the clinical significance of this variant remains unclear.

All of Us Research Program, National Institutes of Health
Classification: Uncertain significance for Arrhythmogenic cardiomyopathy with wooly hair and keratoderma. Last evaluated: 2024-09-17. Review status: criteria provided, single submitter. Criteria: ACMG Guidelines, 2015. Collection method: clinical testing. Allele origin: germline. Inheritance: Autosomal dominant inheritance. Observed: 1 variant allele, 1 heterozygote.
Comment: This study involves interpretation of variants in research participants for the purpose of population health screening. Participant phenotype was not available at the time of variant classification. Additional details can be found in publication PMID: 35346344, PMCID: PMC8962531